The following is an entry in ClinVar:

ClinVar aggregate classification (germline): Likely benign. Review status: criteria provided, multiple submitters, no conflicts (2 of 4 stars). 2 submissions from 2 submitters: Likely benign (2). Last evaluated 2025-08-01.

Allele frequency attached by ClinVar (database versions not stated): gnomAD exomes below 0.00001.
gnomAD v4.1: 2 of 1,614,080 alleles (0.00012%); highest among the groups gnomAD compares: Non-Finnish European, 0.00017%; no homozygotes.

Submissions (2):

CeGaT Center for Human Genetics Tuebingen
Classification: Likely benign. Last evaluated: 2025-08-01. Review status: criteria provided, single submitter. Criteria: CeGaT Center For Human Genetics Tuebingen Variant Classification Criteria Version 2. Collection method: clinical testing. Allele origin: germline. Affected: yes. Observed: 1 variant allele.
Comment: SMARCB1: BP4, BP7

Labcorp Genetics (formerly Invitae), Labcorp
Classification: Likely benign. Last evaluated: 2022-06-16. Review status: criteria provided, single submitter. Criteria: Invitae Variant Classification Sherloc (09022015). Collection method: clinical testing. Allele origin: germline.

NM_003073.5(SMARCB1):c.907T>C (p.Leu303=)

Gene: SMARCB1 (SWI/SNF related BAF chromatin remodeling complex subunit B1; plus strand). Cytogenetic location: 22q11.23.
Variant type: single nucleotide variant.
Coding change: c.907T>C on transcript NM_003073.5 (MANE Select); coding-DNA position 907, T replaced by C.
Protein change: p.Leu303=; no amino-acid change (leucine 303 retained).
Molecular consequence: synonymous variant.
Genome position (GRCh38, 1-based): chr22:23,825,336, T>C. VCF-style: chr22-23825336-T-C. GRCh37 (hg19) VCF-style: chr22-24167523-T-C.
Other names: c.880T>C, p.Leu294= (NM_001007468.3); c.934T>C, p.Leu312= (NM_001317946.2); c.961T>C, p.Leu321= (NM_001362877.2).
Identifiers: ClinVar variation 1093504 (VCV001093504.17), dbSNP rs2146026977, ClinGen allele CA513738999.
Genomic context (GRCh38, chr22:23,825,336, plus strand): 5'-ATGTCAGAGAAGGAGAACTCACCAGAGAAGTTTGCCCTGAAGCTGTGCTCGGAGCTGGGG[T>C]TGGGCGGGGAGTTTGTCACCACCATCGCATACAGCATCCGGGGACAGCTGAGCTGGCATC-3'
Protein context (NP_003064.2, residues 293-313): FALKLCSELG[Leu303=]GGEFVTTIAY